The following is an entry in ClinVar:

NM_001453.3(FOXC1):c.1155_1163del (p.386GAG[1])

Gene: FOXC1 (forkhead box C1; plus strand). Cytogenetic location: 6p25.3.
Variant type: Deletion.
Coding change: c.1155_1163del on transcript NM_001453.3 (MANE Select); coding-DNA positions 1155 to 1163, 9 bases deleted (GGGCGCGGG; older notation c.1155_1163delGGGCGCGGG).
Protein change: p.386GAG[1].
Molecular consequence: inframe deletion.
Genome position (GRCh38, 1-based): chr6:1,611,600-1,611,608, GGGCGCGGG deleted; deleting any 9 consecutive bases within chr6:1,611,594-1,611,608 gives the same sequence; the c. name uses the placement nearest the transcript's 3' end. VCF-style (leftmost placement, unchanged base first): chr6-1611593-CCGCGGGGGG-C. GRCh37 (hg19) VCF-style: chr6-1611828-CCGCGGGGGG-C.
Other names: c.1155_1163del9 (NM_001453.2).
Identifiers: ClinVar variation 2143884 (VCV002143884.6), dbSNP rs986306220, ClinGen allele CA133391100.

ClinVar aggregate classification (germline): Uncertain significance. Review status: criteria provided, multiple submitters, no conflicts (2 of 4 stars). 3 submissions from 3 submitters: Uncertain significance (3). Last evaluated 2026-04-20.

Conditions:
FOXC1-related disorder. Also called: FOXC1-related condition.
Axenfeld-Rieger syndrome type 3 (RIEG3). Also called: AXENFELD-RIEGER ANOMALY WITH CARDIAC DEFECTS AND/OR SENSORINEURAL HEARING LOSS. Identifiers: Orphanet 782, MedGen C2678503, MONDO:0011233, OMIM 602482.
Anterior segment dysgenesis 3 (ASGD3). Also called: IRIDOGONIODYSGENESIS ANOMALY, AUTOSOMAL DOMINANT; Glaucoma iridogoniodysplasia, familial. Identifiers: Orphanet 91483, MedGen C5975707, MONDO:0024456, OMIM 601631.

Submissions (3):

PreventionGenetics, part of Exact Sciences
Classification: Uncertain significance for FOXC1-related condition. Last evaluated: 2026-04-20. Review status: criteria provided, single submitter. Criteria: ACMG Guidelines, 2015. Collection method: clinical testing. Allele origin: germline.
Comment: The FOXC1 c.1155_1163del9 variant is predicted to result in an in-frame deletion (p.Gly389_Gly391del). To our knowledge, this variant has not been reported in the literature or in a large population database (gnomAD), indicating this variant is rare. At this time, the clinical significance of this variant is uncertain due to the absence of conclusive functional and genetic evidence.

Labcorp Genetics (formerly Invitae), Labcorp
Classification: Uncertain significance for Axenfeld-Rieger syndrome type 3. Last evaluated: 2025-12-29. Review status: criteria provided, single submitter. Criteria: Invitae Variant Classification Sherloc (09022015). Collection method: clinical testing. Allele origin: germline.
Comment: This variant, c.1155_1163del, results in the deletion of 3 amino acid(s) of the FOXC1 protein (p.Gly389_Gly391del), but otherwise preserves the integrity of the reading frame. The frequency data for this variant in the population databases is considered unreliable, as metrics indicate insufficient coverage at this position in the gnomAD database. This variant has not been reported in the literature in individuals affected with FOXC1-related conditions. ClinVar contains an entry for this variant (Variation ID: 2143884). Experimental studies and prediction algorithms are not available or were not evaluated, and the functional significance of this variant is currently unknown. In summary, the available evidence is currently insufficient to determine the role of this variant in disease. Therefore, it has been classified as a Variant of Uncertain Significance.

Fulgent Genetics
Classification: Uncertain significance for Anterior segment dysgenesis 3; Axenfeld-Rieger syndrome type 3. Last evaluated: 2024-06-24. Review status: criteria provided, single submitter. Criteria: ACMG Guidelines, 2015. Collection method: clinical testing. Allele origin: germline.